The following is an entry in ClinVar:

NM_000343.4(SLC5A1):c.1136G>A (p.Arg379Gln)

Gene: SLC5A1 (solute carrier family 5 member 1; plus strand). Cytogenetic location: 22q12.3.
Variant type: single nucleotide variant.
Coding change: c.1136G>A on transcript NM_000343.4 (MANE Select); coding-DNA position 1136, G replaced by A.
Protein change: p.Arg379Gln; replaces arginine 379 with glutamine.
Molecular consequence: missense variant.
Genome position (GRCh38, 1-based): chr22:32,091,618, G>A. VCF-style: chr22-32091618-G-A. GRCh37 (hg19) VCF-style: chr22-32487605-G-A.
Other names: c.755G>A, p.Arg252Gln (NM_001256314.2); short protein forms R379Q, R252Q.
Identifiers: ClinVar variation 1410103 (VCV001410103.8), dbSNP rs747215838, ClinGen allele CA10198172.

ClinVar aggregate classification (germline): Uncertain significance (1 of 4 stars; one submission).

Conditions:
Congenital glucose-galactose malabsorption (GGM). Also called: DIARRHEA 16; MONOSACCHARIDE MALABSORPTION. Identifiers: Orphanet 35710, MedGen C0268186, MONDO:0011731, OMIM 606824.

Allele frequency attached by ClinVar (database versions not stated): ExAC 0.00001; gnomAD exomes 0.00001 and 0.00002; gnomAD 0.00002; TOPMed 0.00002.
gnomAD v4.1: 27 of 1,613,952 alleles (0.0017%); highest among the groups gnomAD compares: Non-Finnish European, 0.0022%; no homozygotes.

Submission:

Labcorp Genetics (formerly Invitae), Labcorp
Classification: Uncertain significance for Congenital glucose-galactose malabsorption. Last evaluated: 2021-03-22. Review status: criteria provided, single submitter. Criteria: Invitae Variant Classification Sherloc (09022015). Collection method: clinical testing. Allele origin: germline.
Comment: Experimental studies have shown that this variant affects SLC5A1 protein function (PMID: 28753187). In summary, the available evidence is currently insufficient to determine the role of this variant in disease. Therefore, it has been classified as a Variant of Uncertain Significance. This variant has been observed in individual(s) with glucose-galactose malabsorption (PMID: 8563765, 28753187). This variant is present in population databases (rs747215838, ExAC 0.001%). This sequence change replaces arginine with glutamine at codon 379 of the SLC5A1 protein (p.Arg379Gln). The arginine residue is highly conserved and there is a small physicochemical difference between arginine and glutamine.

Literature cited by the submitters: PubMed 28753187; PubMed 8563765.